The following is an entry in ClinVar:

NM_019601.4(SUSD2):c.1397A>G (p.Asn466Ser)

Gene: SUSD2 (sushi domain containing 2; plus strand). Cytogenetic location: 22q11.23.
Variant type: single nucleotide variant.
Coding change: c.1397A>G on transcript NM_019601.4 (MANE Select); coding-DNA position 1397, A replaced by G.
Protein change: p.Asn466Ser; replaces asparagine 466 with serine.
Molecular consequence: missense variant.
Genome position (GRCh38, 1-based): chr22:24,186,073, A>G. VCF-style: chr22-24186073-A-G. GRCh37 (hg19) VCF-style: chr22-24582041-A-G.
Other names: short protein forms N466S.
Identifiers: ClinVar variation 1255298 (VCV001255298.3), dbSNP rs8141797, ClinGen allele CA10150681.

ClinVar aggregate classification (germline): Benign. Review status: criteria provided, multiple submitters, no conflicts (2 of 4 stars). 2 submissions from 2 submitters: Benign (2). Last evaluated 2020-11-02.

Allele frequency attached by ClinVar (database versions not stated): gnomAD exomes 0.08072; ExAC 0.08415; gnomAD 0.09662 and 0.09722; TOPMed 0.09828; ESP Exome Variant Server 0.09911; 1000 Genomes Project 0.11522; 1000 Genomes Project 30x 0.11571.
gnomAD v4.1: 113,211 of 1,612,152 alleles (7%); highest among the groups gnomAD compares: African/African-American, 17%; 4,729 homozygotes.

Submissions (2):

GeneDx
Classification: Benign. Last evaluated: 2020-11-02. Review status: criteria provided, single submitter. Criteria: GeneDx Variant Classification Process June 2021. Collection method: clinical testing. Allele origin: germline. Affected: yes.
Comment: This variant is associated with the following publications: (PMID: 32620384)

Breakthrough Genomics
Classification: Benign. Review status: criteria provided, single submitter. Criteria: ACMG Guidelines, 2015. Collection method: not provided. Allele origin: germline. Inheritance: Unknown mechanism. Affected: yes.